The following is an entry in ClinVar:

NM_001429.4(EP300):c.6934C>T (p.Pro2312Ser)

Gene: EP300 (EP300 lysine acetyltransferase; plus strand). Cytogenetic location: 22q13.2.
Variant type: single nucleotide variant.
Coding change: c.6934C>T on transcript NM_001429.4 (MANE Select); coding-DNA position 6934, C replaced by T.
Protein change: p.Pro2312Ser; replaces proline 2312 with serine.
Molecular consequence: missense variant.
Genome position (GRCh38, 1-based): chr22:41,178,645, C>T. VCF-style: chr22-41178645-C-T. GRCh37 (hg19) VCF-style: chr22-41574649-C-T.
Other names: c.6856C>T, p.Pro2286Ser (NM_001362843.2); short protein forms P2286S, P2312S.
Identifiers: ClinVar variation 1222666 (VCV001222666.11), dbSNP rs137935821, ClinGen allele CA10253982.

ClinVar aggregate classification (germline): Benign/Likely benign. Review status: criteria provided, multiple submitters, no conflicts (2 of 4 stars). 4 submissions from 4 submitters: Benign (1); Likely benign (2). 1 of the submissions does not count toward it. Last evaluated 2026-05-01.

Conditions:
EP300-related disorder. Also called: EP300-related condition; EP300-related disorders.
Rubinstein-Taybi syndrome due to EP300 haploinsufficiency. Also called: EP300-Related Rubinstein-Taybi Syndrome; RUBINSTEIN-TAYBI SYNDROME 2. Identifiers: Orphanet 353284, Orphanet 783, MedGen C3150941, MONDO:0013364, OMIM 613684.

Allele frequency attached by ClinVar (database versions not stated): gnomAD 0.00008 and 0.00009; TOPMed 0.00011; ExAC 0.00012; gnomAD exomes 0.00014; ESP Exome Variant Server 0.00015; 1000 Genomes Project 30x 0.00016; 1000 Genomes Project 0.00020.
gnomAD v4.1: 151 of 1,614,160 alleles (0.0094%); highest among the groups gnomAD compares: Middle Eastern, 0.15%; 1 homozygote.

Submissions (4):

CeGaT Center for Human Genetics Tuebingen
Classification: Likely benign. Last evaluated: 2026-05-01. Review status: criteria provided, single submitter. Criteria: CeGaT Center For Human Genetics Tuebingen Variant Classification Criteria Version 2. Collection method: clinical testing. Allele origin: germline. Affected: yes. Observed: 1 variant allele.
Comment: EP300: BS2

Labcorp Genetics (formerly Invitae), Labcorp
Classification: Likely benign for Rubinstein-Taybi syndrome due to EP300 haploinsufficiency. Last evaluated: 2025-12-03. Review status: criteria provided, single submitter. Criteria: Invitae Variant Classification Sherloc (09022015). Collection method: clinical testing. Allele origin: germline.

GeneDx
Classification: Benign. Last evaluated: 2021-07-07. Review status: criteria provided, single submitter. Criteria: GeneDx Variant Classification Process June 2021. Collection method: clinical testing. Allele origin: germline. Affected: yes.

PreventionGenetics, part of Exact Sciences
Classification: Likely benign for EP300-related condition. Last evaluated: 2024-02-20. Review status: no assertion criteria provided. Collection method: clinical testing. Allele origin: germline. Not counted in ClinVar's aggregate classification.
Comment: This variant is classified as likely benign based on ACMG/AMP sequence variant interpretation guidelines (Richards et al. 2015 PMID: 25741868, with internal and published modifications).